The following is an entry in ClinVar:

NM_001376.5(DYNC1H1):c.4075-5G>A

Gene: DYNC1H1 (dynein cytoplasmic 1 heavy chain 1; plus strand). Cytogenetic location: 14q32.31.
Variant type: single nucleotide variant.
Coding change: c.4075-5G>A on transcript NM_001376.5 (MANE Select); 5 bases into the intron before coding-DNA position 4075, G replaced by A.
Molecular consequence: intron variant.
Genome position (GRCh38, 1-based): chr14:102,000,949, G>A. VCF-style: chr14-102000949-G-A. GRCh37 (hg19) VCF-style: chr14-102467286-G-A.
Identifiers: ClinVar variation 282948 (VCV000282948.14), dbSNP rs750127672, ClinGen allele CA7352167.

ClinVar aggregate classification (germline): Conflicting classifications of pathogenicity. Review status: criteria provided, conflicting classifications (1 of 4 stars). 3 submissions from 3 submitters: Uncertain significance (2); Likely benign (1). Last evaluated 2024-04-22.

Conditions:
Inborn genetic diseases. Identifiers: MedGen C0950123, MeSH D030342.
Charcot-Marie-Tooth disease axonal type 2O. Also called: CHARCOT-MARIE-TOOTH NEUROPATHY, AXONAL, TYPE 2O; CHARCOT-MARIE-TOOTH DISEASE, AXONAL, AUTOSOMAL DOMINANT, TYPE 2O; Charcot-Marie-Tooth Neuropathy Type 2O; Charcot-Marie-Tooth disease, axonal, type 20. Identifiers: Orphanet 284232, MedGen C3280220, MONDO:0013644, OMIM 614228.

Allele frequency attached by ClinVar (database versions not stated): ExAC 0.00001; gnomAD exomes 0.00001; gnomAD 0.00002; TOPMed 0.00002.
gnomAD v4.1: 15 of 1,612,720 alleles (0.00093%); highest among the groups gnomAD compares: African/African-American, 0.0053%; no homozygotes.

Submissions (3):

Labcorp Genetics (formerly Invitae), Labcorp
Classification: Likely benign for Charcot-Marie-Tooth disease axonal type 2O. Last evaluated: 2024-04-22. Review status: criteria provided, single submitter. Criteria: Invitae Variant Classification Sherloc (09022015). Collection method: clinical testing. Allele origin: germline.

Ambry Genetics
Classification: Uncertain significance for Inborn genetic diseases. Last evaluated: 2021-07-20. Review status: criteria provided, single submitter. Criteria: Ambry Variant Classification Scheme 2023. Collection method: clinical testing. Allele origin: germline.
Comment: The c.4075-5G>A intronic variant results from a G to A substitution 5 nucleotides upstream from coding exon 19 in the DYNC1H1 gene. This nucleotide position is not well conserved in available vertebrate species. In silico splice site analysis predicts that this alteration will not have any significant effect on splicing. Since supporting evidence is limited at this time, the clinical significance of this alteration remains unclear.

Eurofins Ntd Llc (ga)
Classification: Uncertain significance. Last evaluated: 2015-09-23. Review status: criteria provided, single submitter. Criteria: EGL Classification Definitions 2015. Collection method: clinical testing. Allele origin: germline. Observed: 1 variant allele, 1 heterozygote.